The following is an entry in ClinVar:

ClinVar aggregate classification (germline): Uncertain significance (1 of 4 stars; one submission).

Submission:

Labcorp Genetics (formerly Invitae), Labcorp
Classification: Uncertain significance. Last evaluated: 2021-10-03. Review status: criteria provided, single submitter. Criteria: Invitae Variant Classification Sherloc (09022015). Collection method: clinical testing. Allele origin: germline.
Comment: In summary, the available evidence is currently insufficient to determine the role of this variant in disease. Therefore, it has been classified as a Variant of Uncertain Significance. Algorithms developed to predict the effect of missense changes on protein structure and function (SIFT, PolyPhen-2, Align-GVGD) all suggest that this variant is likely to be disruptive. This variant has not been reported in the literature in individuals affected with MCM3AP-related conditions. This variant is not present in population databases (ExAC no frequency). This sequence change replaces cysteine with glycine at codon 800 of the MCM3AP protein (p.Cys800Gly). The cysteine residue is highly conserved and there is a large physicochemical difference between cysteine and glycine.

NM_003906.5(MCM3AP):c.2398T>G (p.Cys800Gly)

Gene: MCM3AP (minichromosome maintenance complex component 3 associated protein; minus strand). Cytogenetic location: 21q22.3.
Variant type: single nucleotide variant.
Coding change: c.2398T>G on transcript NM_003906.5 (MANE Select); coding-DNA position 2398, T replaced by G.
Protein change: p.Cys800Gly; replaces cysteine 800 with glycine.
Molecular consequence: missense variant.
Genome position (GRCh38, 1-based): chr21:46,272,628, A>C on the plus strand (T>G on the coding strand, the complement: MCM3AP is on the minus strand). VCF-style: chr21-46272628-A-C. GRCh37 (hg19) VCF-style: chr21-47692542-A-C.
Other names: short protein forms C800G.
Identifiers: ClinVar variation 1437105 (VCV001437105.6), dbSNP rs2145695206, ClinGen allele CA410523904.